The following is an entry in ClinVar:

ClinVar aggregate classification (germline): Conflicting classifications of pathogenicity. Review status: criteria provided, conflicting classifications (1 of 4 stars). 3 submissions from 3 submitters: Uncertain significance (2); Likely benign (1). Last evaluated 2026-06-02.

Conditions:
Hereditary cancer-predisposing syndrome. Also called: Tumor predisposition; Hereditary neoplastic syndrome; Neoplastic Syndromes, Hereditary; Hereditary Cancer Syndrome. Identifiers: Orphanet 140162, MedGen C0027672, MeSH D009386, MONDO:0015356.
Hereditary diffuse gastric adenocarcinoma (HDGC). Also called: DIFFUSE GASTRIC AND LOBULAR BREAST CANCER SYNDROME. Identifiers: Orphanet 26106, MedGen C1708349, MONDO:0007648, OMIM 137215.

gnomAD v4.1: 1 of 1,613,990 alleles (0.000062%); highest among the groups gnomAD compares: Non-Finnish European, 0.000085%; no homozygotes.

Submissions (3):

Ambry Genetics
Classification: Likely benign for Hereditary cancer-predisposing syndrome. Last evaluated: 2026-06-02. Review status: criteria provided, single submitter. Criteria: Ambry Variant Classification Scheme 2023. Collection method: clinical testing. Allele origin: germline.

Labcorp Genetics (formerly Invitae), Labcorp
Classification: Uncertain significance for Hereditary diffuse gastric adenocarcinoma. Last evaluated: 2024-08-29. Review status: criteria provided, single submitter. Criteria: Invitae Variant Classification Sherloc (09022015). Collection method: clinical testing. Allele origin: germline.
Comment: This sequence change replaces valine, which is neutral and non-polar, with isoleucine, which is neutral and non-polar, at codon 701 of the CDH1 protein (p.Val701Ile). This variant is not present in population databases (gnomAD no frequency). This variant has not been reported in the literature in individuals affected with CDH1-related conditions. ClinVar contains an entry for this variant (Variation ID: 479533). An algorithm developed to predict the effect of missense changes on protein structure and function outputs the following: PolyPhen-2: "Benign". The isoleucine amino acid residue is found in multiple mammalian species, which suggests that this missense change does not adversely affect protein function. In summary, the available evidence is currently insufficient to determine the role of this variant in disease. Therefore, it has been classified as a Variant of Uncertain Significance.

Women's Health and Genetics/Laboratory Corporation of America, LabCorp
Classification: Uncertain significance. Last evaluated: 2023-06-26. Review status: criteria provided, single submitter. Criteria: LabCorp Variant Classification Summary - May 2015. Collection method: clinical testing. Allele origin: germline.

NM_004360.5(CDH1):c.2101G>A (p.Val701Ile)

Gene: CDH1 (cadherin 1; plus strand). Cytogenetic location: 16q22.1.
Variant type: single nucleotide variant.
Coding change: c.2101G>A on transcript NM_004360.5 (MANE Select); coding-DNA position 2101, G replaced by A.
Protein change: p.Val701Ile; replaces valine 701 with isoleucine.
Molecular consequence: missense variant.
Genome position (GRCh38, 1-based): chr16:68,823,563, G>A. VCF-style: chr16-68823563-G-A. GRCh37 (hg19) VCF-style: chr16-68857466-G-A.
Other names: c.2101G>A (LRG_301t1, NM_004360.4); c.1918G>A, p.Val640Ile (NM_001317184.2); c.553G>A, p.Val185Ile (NM_001317185.2); c.136G>A, p.Val46Ile (NM_001317186.2); short protein forms V701I, V640I, V46I, V185I.
Identifiers: ClinVar variation 479533 (VCV000479533.16), dbSNP rs1426734014, ClinGen allele CA396467850.